The following is an entry in ClinVar:

NM_001378454.1(ALMS1):c.3718_3721del (p.Ser1240fs)

Gene: ALMS1 (ALMS1 centrosome and basal body associated protein; plus strand). Cytogenetic location: 2p13.1.
Variant type: Deletion.
Coding change: c.3718_3721del on transcript NM_001378454.1 (MANE Select); coding-DNA positions 3718 to 3721, 4 bases deleted (TCAC; older notation c.3718_3721delTCAC).
Protein change: p.Ser1240fs; shifts the reading frame from serine 1240.
Molecular consequence: frameshift variant.
Genome position (GRCh38, 1-based): chr2:73,450,245-73,450,248, TCAC deleted; deleting any 4 consecutive bases within chr2:73,450,243-73,450,248 gives the same sequence; the c. name uses the placement nearest the transcript's 3' end. VCF-style (leftmost placement, unchanged base first): chr2-73450242-TACTC-T. GRCh37 (hg19) VCF-style: chr2-73677369-TACTC-T.
Other names: c.3721_3724del, p.Ser1241fs (NM_015120.4); c.3721_3724delTCAC (NM_015120.4); short protein forms S1240fs, S1241fs.
Identifiers: ClinVar variation 974960 (VCV000974960.5), dbSNP rs868776324, ClinGen allele CA50392765.
Genomic context (GRCh38, chr2:73,450,242, plus strand): 5'-TCACCTGTTCTTGGACCAGCTGACCAGAAGACTGGGACACCAACTCCAACCTCTGCTTCT[TACTC>T]ACACACAGAGAAGCCTGGTATTTTCTACCAACAGGTCTTGCCAGATAATCATCCAACTGA-3'

ClinVar aggregate classification (germline): Pathogenic/Likely pathogenic. Review status: criteria provided, multiple submitters, no conflicts (2 of 4 stars). 4 submissions from 4 submitters: Pathogenic (2); Likely pathogenic (2). Last evaluated 2026-06-05.

Conditions:
Cardiovascular phenotype. Identifiers: MedGen CN230736.
Alstrom syndrome (ALMS). Identifiers: Orphanet 64, MedGen C0268425, MONDO:0008763, OMIM 203800.

Submissions (4):

Ambry Genetics
Classification: Pathogenic for Cardiovascular phenotype. Last evaluated: 2026-06-05. Review status: criteria provided, single submitter. Criteria: Ambry Variant Classification Scheme 2023. Collection method: clinical testing. Allele origin: germline.
Comment: The c.3721_3724delTCAC pathogenic mutation, located in coding exon 8 of the ALMS1 gene, results from a deletion of 4 nucleotides at nucleotide positions 3721 to 3724, causing a translational frameshift with a predicted alternate stop codon (p.S1241Tfs*23). This variant is considered to be rare based on population cohorts in the Genome Aggregation Database (gnomAD). This alteration is expected to result in loss of function by premature protein truncation or nonsense-mediated mRNA decay. As such, this alteration is interpreted as a disease-causing mutation.

Labcorp Genetics (formerly Invitae), Labcorp
Classification: Pathogenic for Alstrom syndrome. Last evaluated: 2025-07-14. Review status: criteria provided, single submitter. Criteria: Invitae Variant Classification Sherloc (09022015). Collection method: clinical testing. Allele origin: germline.
Comment: This sequence change creates a premature translational stop signal (p.Ser1241Thrfs*23) in the ALMS1 gene. It is expected to result in an absent or disrupted protein product. Loss-of-function variants in ALMS1 are known to be pathogenic (PMID: 17594715). This variant is not present in population databases (gnomAD no frequency). This variant has not been reported in the literature in individuals affected with ALMS1-related conditions. ClinVar contains an entry for this variant (Variation ID: 974960). For these reasons, this variant has been classified as Pathogenic.

Fulgent Genetics
Classification: Likely pathogenic for Alstrom syndrome. Last evaluated: 2021-11-05. Review status: criteria provided, single submitter. Criteria: ACMG Guidelines, 2015. Collection method: clinical testing. Allele origin: unknown.

Women's Health and Genetics/Laboratory Corporation of America, LabCorp
Classification: Likely pathogenic for Alstrom syndrome. Last evaluated: 2020-07-22. Review status: criteria provided, single submitter. Criteria: LabCorp Variant Classification Summary - May 2015. Collection method: clinical testing. Allele origin: germline.
Comment: Variant summary: ALMS1 c.3715_3718delTCAC (p.Ser1239ThrfsX23) results in a premature termination codon, predicted to cause a truncation of the encoded protein or absence of the protein due to nonsense mediated decay, which are commonly known mechanisms for disease. Truncations downstream of this position have been classified as pathogenic (in ClinVar and in HGMD). The variant was absent in 249040 control chromosomes (gnomAD). To our knowledge, no occurrence of c.3715_3718delTCAC in individuals affected with Alstrom Syndrome and no experimental evidence demonstrating its impact on protein function have been reported. No clinical diagnostic laboratories have submitted clinical-significance assessments for this variant to ClinVar after 2014. Based on the evidence outlined above, the variant was classified as likely pathogenic.

Literature cited by the submitters: PubMed 17594715 (cited by Labcorp Genetics (formerly Invitae), Labcorp).